The following is an entry in ClinVar:

NM_013254.4(TBK1):c.1969A>G (p.Thr657Ala)

Gene: TBK1 (TANK binding kinase 1; plus strand). Cytogenetic location: 12q14.2.
Variant type: single nucleotide variant.
Coding change: c.1969A>G on transcript NM_013254.4 (MANE Select); coding-DNA position 1969, A replaced by G.
Protein change: p.Thr657Ala; replaces threonine 657 with alanine.
Molecular consequence: missense variant.
Genome position (GRCh38, 1-based): chr12:64,497,657, A>G. VCF-style: chr12-64497657-A-G. GRCh37 (hg19) VCF-style: chr12-64891437-A-G.
Other names: short protein forms T657A.
Identifiers: ClinVar variation 3637644 (VCV003637644.2).
Genomic context (GRCh38, chr12:64,497,657, plus strand): 5'-CTGTGATTAATGTGGGGTTTTTTTCTTTTTTTTTTTTTTTTGATGTTTCAGTTACAAGAA[A>G]CTCTGCCTCAGAAAATGTTTACAGCTTCCAGTGGAATCAAACATACCATGACCCCAATTT-3'
Protein context (NP_037386.1, residues 647-667): YQEYTNELQE[Thr657Ala]LPQKMFTASS

ClinVar aggregate classification (germline): Uncertain significance (1 of 4 stars; one submission).

Conditions:
Frontotemporal dementia and/or amyotrophic lateral sclerosis 4. Also called: FTDALS4. Identifiers: Orphanet 275872, MedGen C4225325, MONDO:0014641, OMIM 616439.

Submission:

Labcorp Genetics (formerly Invitae), Labcorp
Classification: Uncertain significance for Frontotemporal dementia and/or amyotrophic lateral sclerosis 4. Last evaluated: 2024-05-21. Review status: criteria provided, single submitter. Criteria: Invitae Variant Classification Sherloc (09022015). Collection method: clinical testing. Allele origin: germline.
Comment: This sequence change replaces threonine, which is neutral and polar, with alanine, which is neutral and non-polar, at codon 657 of the TBK1 protein (p.Thr657Ala). This variant is not present in population databases (gnomAD no frequency). This variant has not been reported in the literature in individuals affected with TBK1-related conditions. Advanced modeling of protein sequence and biophysical properties (such as structural, functional, and spatial information, amino acid conservation, physicochemical variation, residue mobility, and thermodynamic stability) performed at Invitae indicates that this missense variant is not expected to disrupt TBK1 protein function with a negative predictive value of 95%. In summary, the available evidence is currently insufficient to determine the role of this variant in disease. Therefore, it has been classified as a Variant of Uncertain Significance.